The following is an entry in ClinVar:

ClinVar aggregate classification (germline): Uncertain significance (1 of 4 stars; one submission).

Conditions:
Hereditary spastic paraplegia 7 (SPG7). Also called: SPASTIC PARAPLEGIA 7, AUTOSOMAL RECESSIVE, WITH OR WITHOUT CEREBELLAR ATAXIA; SPG7-related neurologic disorder; Spastic paraplegia 7; Hereditary spastic paraplegia Paraplegin type; Autosomal recessive spastic paraplegia type 7. Identifiers: Orphanet 99013, MedGen C1846564, MONDO:0011803, OMIM 607259.

Submission:

Labcorp Genetics (formerly Invitae), Labcorp
Classification: Uncertain significance for Hereditary spastic paraplegia 7. Last evaluated: 2024-03-31. Review status: criteria provided, single submitter. Criteria: Invitae Variant Classification Sherloc (09022015). Collection method: clinical testing. Allele origin: germline.
Comment: This variant, c.1181_1183dup, results in the insertion of 1 amino acid(s) of the SPG7 protein (p.Phe394_Lys395insIle), but otherwise preserves the integrity of the reading frame. This variant is present in population databases (rs750278759, gnomAD 0.003%). This variant has not been reported in the literature in individuals affected with SPG7-related conditions. In summary, the available evidence is currently insufficient to determine the role of this variant in disease. Therefore, it has been classified as a Variant of Uncertain Significance.

NM_003119.4(SPG7):c.1181_1183dup (p.Phe394_Lys395insIle)

Gene: SPG7 (SPG7 matrix AAA peptidase subunit, paraplegin; plus strand). Cytogenetic location: 16q24.3.
Variant type: Duplication.
Coding change: c.1181_1183dup on transcript NM_003119.4 (MANE Select); coding-DNA positions 1181 to 1183, 3 bases duplicated (TTA; older notation c.1181_1183dupTTA).
Protein change: p.Phe394_Lys395insIle.
Genome position (GRCh38, 1-based): chr16:89,532,493-89,532,495, TTA duplicated. VCF-style (leftmost placement, unchanged base first): chr16-89532492-T-TTTA. GRCh37 (hg19) VCF-style: chr16-89598900-T-TTTA.
Other names: c.1181_1183dup, p.Phe394_Lys395insIle (NM_001363850.1, NM_199367.3).
Identifiers: ClinVar variation 3696946 (VCV003696946.2).